The following is an entry in ClinVar:

NM_001042432.2(CLN3):c.538G>C (p.Val180Leu)

Gene: CLN3 (CLN3 lysosomal/endosomal transmembrane protein, battenin; minus strand). Cytogenetic location: 16p12.1.
Variant type: single nucleotide variant.
Coding change: c.538G>C on transcript NM_001042432.2 (MANE Select); coding-DNA position 538, G replaced by C.
Protein change: p.Val180Leu; replaces valine 180 with leucine.
Molecular consequence: missense variant.
Genome position (GRCh38, 1-based): chr16:28,486,486, C>G on the plus strand (G>C on the coding strand, the complement: CLN3 is on the minus strand). VCF-style: chr16-28486486-C-G. GRCh37 (hg19) VCF-style: chr16-28497807-C-G.
Other names: c.538G>C, p.Val180Leu (NM_000086.2); c.466G>C, p.Val156Leu (NM_001286104.2); c.238G>C, p.Val80Leu (NM_001286105.2); c.304G>C, p.Val102Leu (NM_001286109.2); c.376G>C, p.Val126Leu (NM_001286110.2); short protein forms V126L, V102L, V180L, V156L, V80L.
Identifiers: ClinVar variation 1494879 (VCV001494879.3), dbSNP rs202215629, ClinGen allele CA395345556.
Genomic context (GRCh38, chr16:28,486,486, plus strand): 5'-GGTAGGACAGGGCCCCCAGCAGCCCAGCTCCCCCAGTCCCTGAGGACCACCAGGAGATCA[C>G]GGCCCTGGGAAGGAGAACACAGGAACATTCAGGAGGACCTAGGCTGACCATGGGACAGCC-3'
Protein context (NP_001035897.1, residues 170-190): LSLTAFYPRA[Val180Leu]ISWWSSGTGG

ClinVar aggregate classification (germline): Uncertain significance (1 of 4 stars; one submission).

Conditions:
Neuronal ceroid lipofuscinosis. Also called: Neuronal Ceroid Lipofuscinoses. Identifiers: Orphanet 216, Orphanet 79263, MedGen C0027877, MONDO:0016295. Disease mechanism: loss of function.

gnomAD v4.1: 1 of 1,612,412 alleles (0.000062%); highest among the groups gnomAD compares: Non-Finnish European, 0.000085%; no homozygotes.

Submission:

Labcorp Genetics (formerly Invitae), Labcorp
Classification: Uncertain significance for Neuronal ceroid lipofuscinosis. Last evaluated: 2021-10-07. Review status: criteria provided, single submitter. Criteria: Invitae Variant Classification Sherloc (09022015). Collection method: clinical testing. Allele origin: germline.
Comment: This sequence change replaces valine with leucine at codon 180 of the CLN3 protein (p.Val180Leu). The valine residue is moderately conserved and there is a small physicochemical difference between valine and leucine. This variant is not present in population databases (ExAC no frequency). This variant has not been reported in the literature in individuals affected with CLN3-related conditions. Algorithms developed to predict the effect of missense changes on protein structure and function are either unavailable or do not agree on the potential impact of this missense change (SIFT: "Tolerated"; PolyPhen-2: "Possibly Damaging"; Align-GVGD: "Class C0"). In summary, the available evidence is currently insufficient to determine the role of this variant in disease. Therefore, it has been classified as a Variant of Uncertain Significance.